The following is an entry in ClinVar:

NM_000045.4(ARG1):c.807_811del (p.Leu270fs)

Genes: ARG1 (arginase 1; plus strand), MED23 (mediator complex subunit 23; minus strand). Cytogenetic location: 6q23.2.
Variant type: Deletion.
Coding change: c.807_811del on transcript NM_000045.4 (MANE Select); coding-DNA positions 807 to 811, 5 bases deleted (ACTCT; older notation c.807_811delACTCT).
Protein change: p.Leu270fs; shifts the reading frame from leucine 270.
Molecular consequence: frameshift variant. On other transcripts: non-coding transcript variant (1), intron variant (2).
Genome position (GRCh38, 1-based): chr6:131,583,746-131,583,750, ACTCT deleted; deleting any 5 consecutive bases within chr6:131,583,744-131,583,750 gives the same sequence; the c. name uses the placement nearest the transcript's 3' end. VCF-style (leftmost placement, unchanged base first): chr6-131583743-GCTACT-G. GRCh37 (hg19) VCF-style: chr6-131904883-GCTACT-G.
Other names: c.831_835del, p.Leu278fs (NM_001244438.2); c.552_556del, p.Leu185fs (NM_001369020.1); c.4077+3961_4077+3965del (NM_001270521.2); c.4095+3961_4095+3965del (NM_015979.4); short protein forms L270fs, L278fs, L185fs.
Identifiers: ClinVar variation 1453446 (VCV001453446.8), dbSNP rs1562361751, ClinGen allele CA570508599.

ClinVar aggregate classification (germline): Pathogenic/Likely pathogenic. Review status: criteria provided, multiple submitters, no conflicts (2 of 4 stars). 2 submissions from 2 submitters: Pathogenic (1); Likely pathogenic (1). Last evaluated 2026-04-17.

Conditions:
Arginase deficiency. Also called: ARGININEMIA; ARG1 DEFICIENCY; Arginase 1 Deficiency. Identifiers: Orphanet 90, MedGen C0268548, MONDO:0008814, OMIM 207800.

Submissions (2):

GeneDx
Classification: Likely pathogenic. Last evaluated: 2026-04-17. Review status: criteria provided, single submitter. Criteria: GeneDx Variant Classification Process June 2021. Collection method: clinical testing. Allele origin: germline.
Comment: Frameshift variant predicted to result in abnormal protein length as the last 53 amino acid(s) are replaced with 39 different amino acid(s), and other similar variants have been reported in HGMD; Not observed at significant frequency in large population cohorts (gnomAD); Has not been previously published as pathogenic or benign to our knowledge

Labcorp Genetics (formerly Invitae), Labcorp
Classification: Pathogenic for Arginase deficiency. Last evaluated: 2021-10-13. Review status: criteria provided, single submitter. Criteria: Invitae Variant Classification Sherloc (09022015). Collection method: clinical testing. Allele origin: germline.
Comment: For these reasons, this variant has been classified as Pathogenic. This variant disrupts a region of the ARG1 protein in which other variant(s) (p.Arg291*) have been determined to be pathogenic (PMID: 1598908, 19052914, 24103480). This suggests that this is a clinically significant region of the protein, and that variants that disrupt it are likely to be disease-causing. This variant has not been reported in the literature in individuals affected with ARG1-related conditions. This variant is not present in population databases (ExAC no frequency). This sequence change creates a premature translational stop signal (p.Leu270Argfs*40) in the ARG1 gene. While this is not anticipated to result in nonsense mediated decay, it is expected to disrupt the last 53 amino acid(s) of the ARG1 protein.

Literature cited by the submitters: PubMed 1598908 (cited by Labcorp Genetics (formerly Invitae), Labcorp); PubMed 19052914 (cited by Labcorp Genetics (formerly Invitae), Labcorp); PubMed 24103480 (cited by Labcorp Genetics (formerly Invitae), Labcorp).